The following is an entry in ClinVar:

ClinVar aggregate classification (germline): Uncertain significance (1 of 4 stars; one submission).

Conditions:
Emery-Dreifuss muscular dystrophy 5, autosomal dominant (EDMD5). Also called: EMERY-DREIFUSS MUSCULAR DYSTROPHY 5. Identifiers: Orphanet 261, MedGen C2751805, MONDO:0013072, OMIM 612999.

Submission:

Labcorp Genetics (formerly Invitae), Labcorp
Classification: Uncertain significance for Emery-Dreifuss muscular dystrophy 5, autosomal dominant. Last evaluated: 2024-09-19. Review status: criteria provided, single submitter. Criteria: Invitae Variant Classification Sherloc (09022015). Collection method: clinical testing. Allele origin: germline.
Comment: This sequence change replaces histidine, which is basic and polar, with aspartic acid, which is acidic and polar, at codon 6567 of the SYNE2 protein (p.His6567Asp). This variant is not present in population databases (gnomAD no frequency). This variant has not been reported in the literature in individuals affected with SYNE2-related conditions. An algorithm developed to predict the effect of missense changes on protein structure and function (PolyPhen-2) suggests that this variant is likely to be tolerated. In summary, the available evidence is currently insufficient to determine the role of this variant in disease. Therefore, it has been classified as a Variant of Uncertain Significance.

NM_182914.3(SYNE2):c.19699C>G (p.His6567Asp)

Gene: SYNE2 (spectrin repeat containing nuclear envelope protein 2; plus strand). Cytogenetic location: 14q23.2.
Variant type: single nucleotide variant.
Coding change: c.19699C>G on transcript NM_182914.3 (MANE Select); coding-DNA position 19699, C replaced by G.
Protein change: p.His6567Asp; replaces histidine 6567 with aspartic acid.
Molecular consequence: missense variant.
Genome position (GRCh38, 1-based): chr14:64,219,249, C>G. VCF-style: chr14-64219249-C-G. GRCh37 (hg19) VCF-style: chr14-64685967-C-G.
Other names: c.19630C>G, p.His6544Asp (NM_015180.6); c.223C>G, p.His75Asp (NM_182910.2); c.601C>G, p.His201Asp (NM_182913.4); short protein forms H6544D, H6567D, H75D, H201D.
Identifiers: ClinVar variation 3706827 (VCV003706827.2).